The following is an entry in ClinVar:

ClinVar aggregate classification (germline): Uncertain significance. Review status: criteria provided, multiple submitters, no conflicts (2 of 4 stars). 3 submissions from 3 submitters: Uncertain significance (3). Last evaluated 2025-06-16.

Conditions:
Inborn genetic diseases. Identifiers: MedGen C0950123, MeSH D030342.

Allele frequency attached by ClinVar (database versions not stated): gnomAD 0.00001; TOPMed 0.00001; ExAC 0.00002; gnomAD exomes 0.00003.
gnomAD v4.1: 48 of 1,613,442 alleles (0.003%); highest among the groups gnomAD compares: Admixed American, 0.005%; no homozygotes.

Submissions (3):

Ambry Genetics
Classification: Uncertain significance for Inborn genetic diseases. Last evaluated: 2025-06-16. Review status: criteria provided, single submitter. Criteria: Ambry Variant Classification Scheme 2023. Collection method: clinical testing. Allele origin: germline.

CeGaT Center for Human Genetics Tuebingen
Classification: Uncertain significance. Last evaluated: 2024-04-01. Review status: criteria provided, single submitter. Criteria: CeGaT Center For Human Genetics Tuebingen Variant Classification Criteria Version 2. Collection method: clinical testing. Allele origin: germline. Affected: yes. Observed: 1 variant allele.
Comment: ANK3: PM2, BP4

Labcorp Genetics (formerly Invitae), Labcorp
Classification: Uncertain significance. Last evaluated: 2022-07-26. Review status: criteria provided, single submitter. Criteria: Invitae Variant Classification Sherloc (09022015). Collection method: clinical testing. Allele origin: germline.
Comment: This sequence change replaces arginine, which is basic and polar, with glutamine, which is neutral and polar, at codon 2367 of the ANK3 protein (p.Arg2367Gln). This variant is present in population databases (rs775210756, gnomAD 0.008%). This variant has not been reported in the literature in individuals affected with ANK3-related conditions. Algorithms developed to predict the effect of missense changes on protein structure and function are either unavailable or do not agree on the potential impact of this missense change (SIFT: "Not Available"; PolyPhen-2: "Benign"; Align-GVGD: "Not Available"). In summary, the available evidence is currently insufficient to determine the role of this variant in disease. Therefore, it has been classified as a Variant of Uncertain Significance.

NM_020987.5(ANK3):c.7100G>A (p.Arg2367Gln)

Gene: ANK3 (ankyrin 3; minus strand). Cytogenetic location: 10q21.2.
Variant type: single nucleotide variant.
Coding change: c.7100G>A on transcript NM_020987.5 (MANE Select); coding-DNA position 7100, G replaced by A.
Protein change: p.Arg2367Gln; replaces arginine 2367 with glutamine.
Molecular consequence: missense variant. On other transcripts: intron variant (4).
Genome position (GRCh38, 1-based): chr10:60,073,781, C>T on the plus strand (G>A on the coding strand, the complement: ANK3 is on the minus strand). VCF-style: chr10-60073781-C-T. GRCh37 (hg19) VCF-style: chr10-61833539-C-T.
Other names: c.7100G>A (NM_020987.3); c.4388-5772G>A (NM_001204403.2); c.4409-5772G>A (NM_001204404.2); c.4406-5772G>A (NM_001320874.2); c.1808-5772G>A (NM_001149.4); short protein forms R2367Q.
Identifiers: ClinVar variation 1900500 (VCV001900500.26), dbSNP rs775210756, ClinGen allele CA5511760.
Genomic context (GRCh38, chr10:60,073,781, plus strand): 5'-TCTGAACAAGGAAAAGCATCGTGTTTTTCTGGCAGAAAATCTTTTAGGTTAATATCTCCC[C>T]GGGATAAGTCTTTCTGATATACATACATTTCTTTTTCTGGATGCTTTTTGGTTTCTCTAA-3'
Protein context (NP_066267.2, residues 2357-2377): EMYVYQKDLS[Arg2367Gln]GDINLKDFLP